The following is an entry in ClinVar:

ClinVar aggregate classification (germline): Uncertain significance (1 of 4 stars; one submission).

Conditions:
Cone-rod dystrophy 2 (CORD2). Also called: CONE-ROD RETINAL DYSTROPHY; Cone-rod retinal dystrophy 2. Identifiers: Orphanet 1872, MedGen C3489532, MONDO:0007362, OMIM 120970.
Leber congenital amaurosis 7 (LCA7). Identifiers: Orphanet 65, MedGen C3151192, MONDO:0013449, OMIM 613829.

gnomAD v4.1: 5 of 1,614,078 alleles (0.00031%); highest among the groups gnomAD compares: Admixed American, 0.0083%; no homozygotes.

Submission:

Labcorp Genetics (formerly Invitae), Labcorp
Classification: Uncertain significance for Cone-rod dystrophy 2; Leber congenital amaurosis 7. Last evaluated: 2024-09-01. Review status: criteria provided, single submitter. Criteria: Invitae Variant Classification Sherloc (09022015). Collection method: clinical testing. Allele origin: germline.
Comment: This sequence change falls in intron 3 of the CRX gene. It does not directly change the encoded amino acid sequence of the CRX protein. It affects a nucleotide within the consensus splice site. This variant is present in population databases (rs761746791, gnomAD 0.01%). This variant has not been reported in the literature in individuals affected with CRX-related conditions. Variants that disrupt the consensus splice site are a relatively common cause of aberrant splicing (PMID: 17576681, 9536098). Algorithms developed to predict the effect of sequence changes on RNA splicing suggest that this variant is not likely to affect RNA splicing. In summary, the available evidence is currently insufficient to determine the role of this variant in disease. Therefore, it has been classified as a Variant of Uncertain Significance.

Literature cited by the submitters: PubMed 17576681; PubMed 9536098.

NM_000554.6(CRX):c.252+3G>A

Gene: CRX (cone-rod homeobox; plus strand). Cytogenetic location: 19q13.33.
Variant type: single nucleotide variant.
Coding change: c.252+3G>A on transcript NM_000554.6 (MANE Select); 3 bases into the intron after coding-DNA position 252, G replaced by A.
Molecular consequence: intron variant.
Genome position (GRCh38, 1-based): chr19:47,836,397, G>A. VCF-style: chr19-47836397-G-A. GRCh37 (hg19) VCF-style: chr19-48339654-G-A.
Identifiers: ClinVar variation 3752529 (VCV003752529.2).